The following is an entry in ClinVar:

NM_001199138.2(NLRC4):c.371T>G (p.Ile124Ser)

Gene: NLRC4 (NLR family CARD domain containing 4; minus strand). Cytogenetic location: 2p22.3.
Variant type: single nucleotide variant.
Coding change: c.371T>G on transcript NM_001199138.2 (MANE Select); coding-DNA position 371, T replaced by G.
Protein change: p.Ile124Ser; replaces isoleucine 124 with serine.
Molecular consequence: missense variant. On other transcripts: intron variant (1).
Genome position (GRCh38, 1-based): chr2:32,251,493, A>C on the plus strand (T>G on the coding strand, the complement: NLRC4 is on the minus strand). VCF-style: chr2-32251493-A-C. GRCh37 (hg19) VCF-style: chr2-32476562-A-C.
Other names: c.371T>G, p.Ile124Ser (NM_001199139.2, NM_021209.5); c.262+926T>G (NM_001302504.1); short protein forms I124S.
Identifiers: ClinVar variation 939213 (VCV000939213.10), dbSNP rs188120749, ClinGen allele CA346516369.
Genomic context (GRCh38, chr2:32,251,493, plus strand): 5'-TGGTCCTTCCTCCACAGGACAGGTTCTGTGAAGGTGCTTTTCAAGTTAAAAATAATGTCA[A>C]TATCTTCACCAAGGGGATAAAAGTTCAGAAAAGATGGGGTATGGTACAAGTCCTTTAAAT-3'
Protein context (NP_001186067.1, residues 114-134): FLNFYPLGED[Ile124Ser]DIIFNLKSTF

ClinVar aggregate classification (germline): Uncertain significance. Review status: criteria provided, multiple submitters, no conflicts (2 of 4 stars). 2 submissions from 2 submitters: Uncertain significance (2). Last evaluated 2025-02-20.

Conditions:
Inborn genetic diseases. Identifiers: MedGen C0950123, MeSH D030342.
Periodic fever-infantile enterocolitis-autoinflammatory syndrome. Also called: Autoinflammation with infantile enterocolitis. Identifiers: Orphanet 436166, MedGen C4015067, MONDO:0014472, OMIM 616050.
Familial cold autoinflammatory syndrome 4 (FCAS4). Identifiers: Orphanet 47045, Orphanet 576349, MedGen C4015276, MONDO:0014498, OMIM 616115.

Submissions (2):

Ambry Genetics
Classification: Uncertain significance for Inborn genetic diseases. Last evaluated: 2025-02-20. Review status: criteria provided, single submitter. Criteria: Ambry Variant Classification Scheme 2023. Collection method: clinical testing. Allele origin: germline.

Labcorp Genetics (formerly Invitae), Labcorp
Classification: Uncertain significance for Periodic fever-infantile enterocolitis-autoinflammatory syndrome; Familial cold autoinflammatory syndrome 4. Last evaluated: 2023-08-02. Review status: criteria provided, single submitter. Criteria: Invitae Variant Classification Sherloc (09022015). Collection method: clinical testing. Allele origin: germline.
Comment: This variant has not been reported in the literature in individuals affected with NLRC4-related conditions. This variant is present in population databases (no rsID available, gnomAD 0.0009%). This sequence change replaces isoleucine, which is neutral and non-polar, with serine, which is neutral and polar, at codon 124 of the NLRC4 protein (p.Ile124Ser). ClinVar contains an entry for this variant (Variation ID: 939213). Advanced modeling of protein sequence and biophysical properties (such as structural, functional, and spatial information, amino acid conservation, physicochemical variation, residue mobility, and thermodynamic stability) has been performed at Invitae for this missense variant, however the output from this modeling did not meet the statistical confidence thresholds required to predict the impact of this variant on NLRC4 protein function. In summary, the available evidence is currently insufficient to determine the role of this variant in disease. Therefore, it has been classified as a Variant of Uncertain Significance.